The following is an entry in ClinVar:

ClinVar aggregate classification (germline): Benign. Review status: criteria provided, multiple submitters, no conflicts (2 of 4 stars). 3 submissions from 3 submitters: Benign (3). Last evaluated 2018-11-12.

Conditions:
Arthrogryposis, renal dysfunction, and cholestasis 1 (ARCS1). Identifiers: Orphanet 2697, MedGen C1859722, MONDO:0008822, OMIM 208085.

Allele frequency attached by ClinVar (database versions not stated): gnomAD exomes 0.47212; gnomAD 0.57234 and 0.57839; TOPMed 0.61128; 1000 Genomes Project 30x 0.75406; 1000 Genomes Project 0.75659.
gnomAD v4.1: 120,877 of 221,892 alleles (54%); highest among the groups gnomAD compares: East Asian, 99%; 38,641 homozygotes.

Submissions (3):

GeneDx
Classification: Benign. Last evaluated: 2018-11-12. Review status: criteria provided, single submitter. Criteria: GeneDx Variant Classification Process June 2021. Collection method: clinical testing. Allele origin: germline. Affected: yes.

Illumina Laboratory Services, Illumina
Classification: Benign for Arthrogryposis, renal dysfunction, and cholestasis 1. Last evaluated: 2018-01-13. Review status: criteria provided, single submitter. Criteria: ICSL Variant Classification Criteria 13 December 2019. Collection method: clinical testing. Allele origin: germline.
Comment: This variant was observed in the ICSL laboratory as part of a predisposition screen in an ostensibly healthy population. It had not been previously curated by ICSL or reported in the Human Gene Mutation Database (HGMD: prior to June 1st, 2018), and was therefore a candidate for classification through an automated scoring system. Utilizing variant allele frequency, disease prevalence and penetrance estimates, and inheritance mode, an automated score was calculated to assess if this variant is too frequent to cause the disease. Based on the score and internal cut-off values, a variant classified as benign is not then subjected to further curation. The score for this variant resulted in a classification of benign for this disease.

Breakthrough Genomics
Classification: Benign. Review status: criteria provided, single submitter. Criteria: ACMG Guidelines, 2015. Collection method: not provided. Allele origin: germline. Inheritance: Autosomal recessive inheritance. Affected: yes.

NM_018668.5(VPS33B):c.-325T>C

Gene: VPS33B (VPS33B late endosome and lysosome associated; minus strand). Cytogenetic location: 15q26.1.
Variant type: single nucleotide variant.
Coding change: c.-325T>C on transcript NM_018668.5 (MANE Select); 325 bases upstream of the start codon, T replaced by C.
Molecular consequence: 5 prime UTR variant.
Genome position (GRCh38, 1-based): chr15:91,022,574, A>G on the plus strand (T>C on the coding strand, the complement: VPS33B is on the minus strand). VCF-style: chr15-91022574-A-G. GRCh37 (hg19) VCF-style: chr15-91565804-A-G.
Other names: c.-325T>C (NM_001289148.1); c.-536T>C (NM_001289149.1).
Identifiers: ClinVar variation 317436 (VCV000317436.7), dbSNP rs11073967, ClinGen allele CA10647537.